The following is an entry in ClinVar:

ClinVar aggregate classification (germline): Likely benign. Review status: criteria provided, multiple submitters, no conflicts (2 of 4 stars). 2 submissions from 2 submitters: Likely benign (2). Last evaluated 2024-07-21.

Conditions:
Brugada syndrome 4 (BRGDA4). Identifiers: Orphanet 130, MedGen C2678477, MONDO:0012743, OMIM 611876.

Allele frequency attached by ClinVar (database versions not stated): TOPMed 0.00001.
gnomAD v4.1: 15 of 1,612,726 alleles (0.00093%); highest among the groups gnomAD compares: Admixed American, 0.025%; no homozygotes.

Submissions (2):

Labcorp Genetics (formerly Invitae), Labcorp
Classification: Likely benign for Brugada syndrome 4. Last evaluated: 2024-07-21. Review status: criteria provided, single submitter. Criteria: Invitae Variant Classification Sherloc (09022015). Collection method: clinical testing. Allele origin: germline.

GeneDx
Classification: Likely benign. Last evaluated: 2016-12-27. Review status: criteria provided, single submitter. Criteria: GeneDx Variant Classification (06012015). Collection method: clinical testing. Allele origin: germline. Affected: yes.
Comment: This variant is considered likely benign or benign based on one or more of the following criteria: it is a conservative change, it occurs at a poorly conserved position in the protein, it is predicted to be benign by multiple in silico algorithms, and/or has population frequency not consistent with disease.

NM_201596.3(CACNB2):c.944+12A>G

Gene: CACNB2 (calcium voltage-gated channel auxiliary subunit beta 2; plus strand). Cytogenetic location: 10p12.31.
Variant type: single nucleotide variant.
Coding change: c.944+12A>G on transcript NM_201596.3 (MANE Select); 12 bases into the intron after coding-DNA position 944, A replaced by G.
Molecular consequence: intron variant.
Genome position (GRCh38, 1-based): chr10:18,518,980, A>G. VCF-style: chr10-18518980-A-G. GRCh37 (hg19) VCF-style: chr10-18807909-A-G.
Other names: c.860+12A>G (NM_201571.4); c.746+12A>G (NM_001167945.2); c.788+12A>G (NM_201572.4); c.830+12A>G (NM_201593.3); c.872+12A>G (NM_201597.3); c.779+12A>G (NM_000724.4); c.665+12A>G (NM_001330060.2); c.782+12A>G (NM_201590.3); and 1 more.
Identifiers: ClinVar variation 392039 (VCV000392039.4), dbSNP rs144304963, ClinGen allele CA5429828.